The following is an entry in ClinVar:

ClinVar aggregate classification (germline): Uncertain significance (1 of 4 stars; one submission).

Conditions:
Frontotemporal dementia and/or amyotrophic lateral sclerosis 4. Also called: FTDALS4. Identifiers: Orphanet 275872, MedGen C4225325, MONDO:0014641, OMIM 616439.

Submission:

Labcorp Genetics (formerly Invitae), Labcorp
Classification: Uncertain significance for Frontotemporal dementia and/or amyotrophic lateral sclerosis 4. Last evaluated: 2024-05-21. Review status: criteria provided, single submitter. Criteria: Invitae Variant Classification Sherloc (09022015). Collection method: clinical testing. Allele origin: germline.
Comment: This sequence change replaces glycine, which is neutral and non-polar, with glutamic acid, which is acidic and polar, at codon 356 of the TBK1 protein (p.Gly356Glu). This variant is not present in population databases (gnomAD no frequency). This variant has not been reported in the literature in individuals affected with TBK1-related conditions. Advanced modeling of protein sequence and biophysical properties (such as structural, functional, and spatial information, amino acid conservation, physicochemical variation, residue mobility, and thermodynamic stability) performed at Invitae indicates that this missense variant is not expected to disrupt TBK1 protein function with a negative predictive value of 95%. In summary, the available evidence is currently insufficient to determine the role of this variant in disease. Therefore, it has been classified as a Variant of Uncertain Significance.

NM_013254.4(TBK1):c.1067G>A (p.Gly356Glu)

Gene: TBK1 (TANK binding kinase 1; plus strand). Cytogenetic location: 12q14.2.
Variant type: single nucleotide variant.
Coding change: c.1067G>A on transcript NM_013254.4 (MANE Select); coding-DNA position 1067, G replaced by A.
Protein change: p.Gly356Glu; replaces glycine 356 with glutamic acid.
Molecular consequence: missense variant.
Genome position (GRCh38, 1-based): chr12:64,484,377, G>A. VCF-style: chr12-64484377-G-A. GRCh37 (hg19) VCF-style: chr12-64878157-G-A.
Other names: short protein forms G356E.
Identifiers: ClinVar variation 3637635 (VCV003637635.2).